The following is an entry in ClinVar:

ClinVar aggregate classification (germline): Conflicting classifications of pathogenicity. Review status: criteria provided, conflicting classifications (1 of 4 stars). 3 submissions from 3 submitters: Uncertain significance (2); Likely benign (1). Last evaluated 2025-09-14.

Conditions:
Hereditary cancer-predisposing syndrome. Also called: Hereditary Cancer Syndrome; Hereditary neoplastic syndrome; Tumor predisposition; Neoplastic Syndromes, Hereditary. Identifiers: Orphanet 140162, MedGen C0027672, MeSH D009386, MONDO:0015356.
Hereditary breast ovarian cancer syndrome. Also called: Breast and ovarian cancer; Hereditary breast and ovarian cancer syndrome; Hereditary breast and ovarian cancer syndrome (HBOC); BRCA1- and BRCA2-Associated Hereditary Breast and Ovarian Cancer; Hereditary breast and ovarian cancer; Hereditary breast and/or ovarian cancer syndrome. Identifiers: Orphanet 145, MedGen C0677776, MeSH D061325, MONDO:0003582. Disease mechanism: loss of function.

Submissions (3):

Labcorp Genetics (formerly Invitae), Labcorp
Classification: Uncertain significance for Hereditary breast ovarian cancer syndrome. Last evaluated: 2025-09-14. Review status: criteria provided, single submitter. Criteria: Invitae Variant Classification Sherloc (09022015). Collection method: clinical testing. Allele origin: germline.
Comment: This sequence change replaces aspartic acid, which is acidic and polar, with histidine, which is basic and polar, at codon 420 of the BRCA1 protein (p.Asp420His). This variant is not present in population databases (gnomAD no frequency). This variant has not been reported in the literature in individuals affected with BRCA1-related conditions. ClinVar contains an entry for this variant (Variation ID: 841465). Invitae Evidence Modeling of protein sequence and biophysical properties (such as structural, functional, and spatial information, amino acid conservation, physicochemical variation, residue mobility, and thermodynamic stability) indicates that this missense variant is not expected to disrupt BRCA1 protein function with a negative predictive value of 80%. In summary, the available evidence is currently insufficient to determine the role of this variant in disease. Therefore, it has been classified as a Variant of Uncertain Significance.

University of Washington Department of Laboratory Medicine, University of Washington
Classification: Likely benign for Hereditary cancer-predisposing syndrome. Last evaluated: 2023-03-23. Review status: criteria provided, single submitter. Criteria: Dines et al. (Genet Med. 2020). Collection method: curation. Allele origin: germline.
Comment: Missense variant in a coldspot region where missense variants are very unlikely to be pathogenic (PMID:31911673).

BRCA1 coldspot (exon 11 using historical exon numbering). Reclassification based on statistical prior probability

Ambry Genetics
Classification: Uncertain significance for Hereditary cancer-predisposing syndrome. Last evaluated: 2020-01-02. Review status: criteria provided, single submitter. Criteria: Ambry Variant Classification Scheme 2023. Collection method: clinical testing. Allele origin: germline.
Comment: The p.D420H variant (also known as c.1258G>C), located in coding exon 9 of the BRCA1 gene, results from a G to C substitution at nucleotide position 1258. The aspartic acid at codon 420 is replaced by histidine, an amino acid with similar properties. This amino acid position is not well conserved in available vertebrate species. In addition, the in silico prediction for this alteration is inconclusive. Since supporting evidence is limited at this time, the clinical significance of this alteration remains unclear.

NM_007294.4(BRCA1):c.1258G>C (p.Asp420His)

Gene: BRCA1 (BRCA1 DNA repair associated; minus strand). Cytogenetic location: 17q21.31.
Variant type: single nucleotide variant.
Coding change: c.1258G>C on transcript NM_007294.4 (MANE Select); coding-DNA position 1258, G replaced by C.
Protein change: p.Asp420His; replaces aspartic acid 420 with histidine.
Molecular consequence: missense variant. On other transcripts: intron variant (137).
Genome position (GRCh38, 1-based): chr17:43,094,273, C>G on the plus strand (G>C on the coding strand, the complement: BRCA1 is on the minus strand). VCF-style: chr17-43094273-C-G. GRCh37 (hg19) VCF-style: chr17-41246290-C-G.
Other names: c.994G>C, p.Asp332His (NM_001407920.1, NM_001407921.1, NM_001407922.1 and 9 more transcripts); c.991G>C, p.Asp331His (NM_001407930.1, NM_001407931.1, NM_001407934.1 and 2 more transcripts); c.1045G>C, p.Asp349His (NM_001407571.1, NM_001407853.1, NM_001407894.1 and 9 more transcripts); c.1258G>C, p.Asp420His (NM_001407581.1, NM_001407582.1, NM_001407583.1 and 30 more transcripts); c.1255G>C, p.Asp419His (NM_001407587.1, NM_001407590.1, NM_001407591.1 and 22 more transcripts); c.1249G>C, p.Asp417His (NM_001407646.1, NM_001407647.1); c.1135G>C, p.Asp379His (NM_001407648.1, NM_001407664.1, NM_001407665.1 and 19 more transcripts); c.1132G>C, p.Asp378His (NM_001407649.1, NM_001407670.1, NM_001407671.1 and 11 more transcripts); and 40 more; short protein forms D373H, D420H, D331H, D393H, D252H, D308H, D350H, D372H.
Identifiers: ClinVar variation 841465 (VCV000841465.13), dbSNP rs80357488, ClinGen allele CA10599538.